The following is an entry in ClinVar:

ClinVar aggregate classification (germline): Pathogenic/Likely pathogenic. Review status: criteria provided, multiple submitters, no conflicts (2 of 4 stars). 2 submissions from 2 submitters: Pathogenic (1); Likely pathogenic (1). Last evaluated 2024-11-21.

Conditions:
Familial thoracic aortic aneurysm and aortic dissection (TAAD). Also called: Thoracic aortic aneurysms and dissections. Identifiers: Orphanet 91387, MedGen C4707243, MONDO:0019625.
Marfan syndrome (MFS). Also called: MARFAN SYNDROME, TYPE I; Marfan syndrome type 1; Marfan's syndrome; Marfan syndrome, classic; FBN1-Related Marfan Syndrome. Identifiers: Orphanet 284963, Orphanet 558, MedGen C0024796, MONDO:0007947, OMIM 154700.

Submissions (2):

Labcorp Genetics (formerly Invitae), Labcorp
Classification: Pathogenic for Marfan syndrome; Familial thoracic aortic aneurysm and aortic dissection. Last evaluated: 2024-11-21. Review status: criteria provided, single submitter. Criteria: Invitae Variant Classification Sherloc (09022015). Collection method: clinical testing. Allele origin: germline.
Comment: This sequence change creates a premature translational stop signal (p.Gln1233*) in the FBN1 gene. It is expected to result in an absent or disrupted protein product. Loss-of-function variants in FBN1 are known to be pathogenic (PMID: 17657824, 19293843). This variant is not present in population databases (gnomAD no frequency). This variant has not been reported in the literature in individuals affected with FBN1-related conditions. ClinVar contains an entry for this variant (Variation ID: 2111178). For these reasons, this variant has been classified as Pathogenic.

Neuberg Centre For Genomic Medicine, NCGM
Classification: Likely pathogenic for Marfan syndrome. Review status: criteria provided, single submitter. Criteria: ACMG Guidelines, 2015. Collection method: clinical testing. Allele origin: germline. Inheritance: Autosomal dominant inheritance. Affected: yes.

Literature cited by the submitters: PubMed 17657824 (cited by Labcorp Genetics (formerly Invitae), Labcorp); PubMed 19293843 (cited by Labcorp Genetics (formerly Invitae), Labcorp).

NM_000138.5(FBN1):c.3697C>T (p.Gln1233Ter)

Gene: FBN1 (fibrillin 1; minus strand). Cytogenetic location: 15q21.1.
Variant type: single nucleotide variant.
Coding change: c.3697C>T on transcript NM_000138.5 (MANE Select); coding-DNA position 3697, C replaced by T.
Protein change: p.Gln1233Ter; replaces glutamine 1233 with a stop codon.
Molecular consequence: nonsense.
Genome position (GRCh38, 1-based): chr15:48,485,389, G>A on the plus strand (C>T on the coding strand, the complement: FBN1 is on the minus strand). VCF-style: chr15-48485389-G-A. GRCh37 (hg19) VCF-style: chr15-48777586-G-A.
Other names: c.3697C>T, p.Gln1233Ter (NM_001406716.1); short protein forms Q1233*.
Identifiers: ClinVar variation 2111178 (VCV002111178.4), dbSNP rs2505544723, ClinGen allele CA392324325.
Genomic context (GRCh38, chr15:48,485,389, plus strand): 5'-TAGGAACCTACTGAGAGATTCAACATGAGGCTAGAACCTACTCACCGGTGCATGATCTCT[G>A]GTCAGGCATTAGTGCAAATCCCGGCTGACAGCTACATTCATAGCTGCCTTCAGAGTTTGT-3'